The following is an entry in ClinVar:

NM_145331.3(MAP3K7):c.772C>A (p.Pro258Thr)

Gene: MAP3K7 (mitogen-activated protein kinase kinase kinase 7; minus strand). Cytogenetic location: 6q15.
Variant type: single nucleotide variant.
Coding change: c.772C>A on transcript NM_145331.3 (MANE Select); coding-DNA position 772, C replaced by A.
Protein change: p.Pro258Thr; replaces proline 258 with threonine.
Molecular consequence: missense variant.
Genome position (GRCh38, 1-based): chr6:90,552,144, G>T on the plus strand (C>A on the coding strand, the complement: MAP3K7 is on the minus strand). VCF-style: chr6-90552144-G-T. GRCh37 (hg19) VCF-style: chr6-91261863-G-T.
Other names: c.772C>A, p.Pro258Thr (NM_003188.4, NM_145332.3, NM_145333.3); short protein forms P258T.
Identifiers: ClinVar variation 2705168 (VCV002705168.3), dbSNP rs2481817501, ClinGen allele CA365011920.

ClinVar aggregate classification (germline): Uncertain significance (1 of 4 stars; one submission).

Submission:

Labcorp Genetics (formerly Invitae), Labcorp
Classification: Uncertain significance. Last evaluated: 2024-05-06. Review status: criteria provided, single submitter. Criteria: Invitae Variant Classification Sherloc (09022015). Collection method: clinical testing. Allele origin: germline.
Comment: This sequence change replaces proline, which is neutral and non-polar, with threonine, which is neutral and polar, at codon 258 of the MAP3K7 protein (p.Pro258Thr). This variant is not present in population databases (gnomAD no frequency). This variant has not been reported in the literature in individuals affected with MAP3K7-related conditions. An algorithm developed to predict the effect of missense changes on protein structure and function (PolyPhen-2) suggests that this variant is likely to be disruptive. In summary, the available evidence is currently insufficient to determine the role of this variant in disease. Therefore, it has been classified as a Variant of Uncertain Significance.